The following is an entry in ClinVar:

ClinVar aggregate classification (germline): Uncertain significance (1 of 4 stars; one submission).

gnomAD v4.1: 1 of 1,611,856 alleles (0.000062%); highest among the groups gnomAD compares: Admixed American, 0.0017%; no homozygotes.

Submission:

GeneDx
Classification: Uncertain significance. Last evaluated: 2026-02-15. Review status: criteria provided, single submitter. Criteria: GeneDx Variant Classification Process June 2021. Collection method: clinical testing. Allele origin: germline.
Comment: Not observed at significant frequency in large population cohorts (gnomAD); In silico analysis supports that this missense variant has a deleterious effect on protein structure/function; Has not been previously published as pathogenic or benign to our knowledge

NM_000969.5(RPL5):c.700G>A (p.Asp234Asn)

Genes: DIPK1A (divergent protein kinase domain 1A; minus strand), RPL5 (ribosomal protein L5; plus strand). Cytogenetic location: 1p22.1.
Variant type: single nucleotide variant.
Coding change: c.700G>A on transcript NM_000969.5 (MANE Select); coding-DNA position 700, G replaced by A.
Protein change: p.Asp234Asn; replaces aspartic acid 234 with asparagine.
Molecular consequence: missense variant. On other transcripts: non-coding transcript variant (1), intron variant (1).
Genome position (GRCh38, 1-based): chr1:92,837,628, G>A. VCF-style: chr1-92837628-G-A. GRCh37 (hg19) VCF-style: chr1-93303185-G-A.
Other names: c.475-4594C>T (NM_001252273.2); short protein forms D234N.
Identifiers: ClinVar variation 5008828 (VCV005008828.1).
Genomic context (GRCh38, chr1:92,837,628, plus strand): 5'-GAAGATGAAGATGCTTACAAGAAACAGTTCTCTCAATACATAAAGAACAGCGTAACTCCA[G>A]ACATGGTAAAACATTTACCTAAAAATGCCTATATTGGTTAATTTATGGAAATAGGTTTAT-3'
Protein context (NP_000960.2, residues 224-244): SQYIKNSVTP[Asp234Asn]MMEEMYKKAH